The following is an entry in ClinVar:

NC_000003.11:g.(?_189838021)_(189838520_?)del

Gene: P3H2 (prolyl 3-hydroxylase 2; minus strand). Cytogenetic location: 3q28.
Variant type: Deletion.
Identifiers: ClinVar variation 1460245 (VCV001460245.5).

ClinVar aggregate classification (germline): Pathogenic (1 of 4 stars; one submission).

Submission:

Labcorp Genetics (formerly Invitae), Labcorp
Classification: Pathogenic. Last evaluated: 2024-01-08. Review status: criteria provided, single submitter. Criteria: Invitae Variant Classification Sherloc (09022015). Collection method: clinical testing. Allele origin: germline.
Comment: This variant is a gross deletion of the genomic region encompassing exon(s) 1 of the P3H2 gene, which includes the initiator codon. This deletion extends beyond the assayed region for this gene and therefore may encompass additional genes. It is expected to result in an absent or disrupted protein product. Loss-of-function variants in P3H2 are known to be pathogenic (PMID: 24172257, 25469533). This variant has not been reported in the literature in individuals affected with P3H2-related conditions. For these reasons, this variant has been classified as Pathogenic.

Literature cited by the submitters: PubMed 24172257; PubMed 25469533.